The following is an entry in ClinVar:

ClinVar aggregate classification (germline): Likely pathogenic (1 of 4 stars; one submission).

Conditions:
Hereditary spastic paraplegia 4. Also called: Spastic Paraplegia 4; Familial spastic paraplegia autosomal dominant 2; Spastic paraplegia 4, autosomal dominant. Identifiers: Orphanet 100985, MedGen C1866855, MONDO:0008438, OMIM 182601.

Submission:

Broad Center for Mendelian Genomics, Broad Institute of MIT and Harvard
Classification: Likely pathogenic for Hereditary spastic paraplegia 4. Last evaluated: 2023-05-02. Review status: criteria provided, single submitter. Criteria: ACMG Guidelines, 2015. Collection method: curation. Allele origin: germline. Inheritance: Autosomal dominant inheritance.
Comment: The heterozygous p.Cys523ValfsTer7 variant in SPAST was identified by our study in two siblings with spastic paraplegia. The p.Cys523ValfsTer7 variant in SPAST has been not been previously reported in individuals with spastic paraplegia type 4. This variant was absent from large population studies. This variant is predicted to cause a frameshift, which alters the protein‚Äôs amino acid sequence beginning at position 523 and leads to a premature termination codon 7 amino acids downstream. This alteration is then predicted to lead to a truncated or absent protein. Heterozygous loss of function of the SPAST gene is an established disease mechanism in autosomal dominant spastic paraplegia type 4. In summary, although additional studies are required to fully establish its clinical significance, this variant is likely pathogenic for autosomal dominant spastic paraplegia type 4. ACMG/AMP Criteria applied: PVS1, PM2_Supporting (Richards 2015).

NM_014946.4(SPAST):c.1567del (p.Cys523fs)

Gene: SPAST (spastin; plus strand). Cytogenetic location: 2p22.3.
Variant type: Deletion.
Coding change: c.1567del on transcript NM_014946.4 (MANE Select); coding-DNA position 1567, one base deleted (T; older notation c.1567delT).
Protein change: p.Cys523fs; shifts the reading frame from cysteine 523.
Molecular consequence: frameshift variant.
Genome position (GRCh38, 1-based): chr2:32,143,366, T deleted. VCF-style (leftmost placement, unchanged base first): chr2-32143365-AT-A. GRCh37 (hg19) VCF-style: chr2-32368434-AT-A.
Other names: NM_199436.2:c.1471del; c.1564del, p.Cys522fs (NM_001363823.2); c.1468del, p.Cys490fs (NM_001363875.2); c.1471del, p.Cys491fs (NM_001377959.1, NM_199436.2); short protein forms C490fs, C491fs, C522fs, C523fs.
Identifiers: ClinVar variation 2500884 (VCV002500884.1), dbSNP rs2465903176, ClinGen allele CA2573334918.
Genomic context (GRCh38, chr2:32,143,365, plus strand): 5'-GACTGAATGATCATTTTTTAATATTTTTCAGACAAGACTACTTTTGCTTAAAAATCTGTT[AT>A]GTAAACAAGGAAGTCCATTGACCCAAAAAGAACTAGCACAACTTGCTAGGTGAGTAATTT-3'